The following is an entry in ClinVar:

NM_000179.3(MSH6):c.2179A>G (p.Thr727Ala)

Gene: MSH6 (mutS homolog 6; plus strand). Cytogenetic location: 2p16.3.
Variant type: single nucleotide variant.
Coding change: c.2179A>G on transcript NM_000179.3 (MANE Select); coding-DNA position 2179, A replaced by G.
Protein change: p.Thr727Ala; replaces threonine 727 with alanine.
Molecular consequence: missense variant.
Genome position (GRCh38, 1-based): chr2:47,800,162, A>G. VCF-style: chr2-47800162-A-G. GRCh37 (hg19) VCF-style: chr2-48027301-A-G.
Other names: c.1789A>G, p.Thr597Ala (NM_001281492.2); c.1273A>G, p.Thr425Ala (NM_001281493.2, NM_001281494.2); short protein forms T425A, T597A, T727A.
Identifiers: ClinVar variation 1692251 (VCV001692251.3), dbSNP rs761930694, ClinGen allele CA068559.

ClinVar aggregate classification (germline): Conflicting classifications of pathogenicity. Review status: criteria provided, conflicting classifications (1 of 4 stars). 2 submissions from 2 submitters: Uncertain significance (1); Likely benign (1). Last evaluated 2022-02-13.

Conditions:
Hereditary cancer-predisposing syndrome. Also called: Hereditary Cancer Syndrome; Hereditary neoplastic syndrome; Neoplastic Syndromes, Hereditary; Tumor predisposition. Identifiers: Orphanet 140162, MedGen C0027672, MeSH D009386, MONDO:0015356.

Allele frequency attached by ClinVar (database versions not stated): gnomAD exomes below 0.00001; ExAC 0.00001.
gnomAD v4.1: 1 of 1,614,198 alleles (0.000062%); highest among the groups gnomAD compares: Non-Finnish European, 0.000085%; no homozygotes.

Submissions (2):

Sema4
Classification: Uncertain significance for Hereditary cancer-predisposing syndrome. Last evaluated: 2022-02-13. Review status: criteria provided, single submitter. Criteria: Sema4 Curation Guidelines. Collection method: curation. Allele origin: germline.
Comment: The MSH6 c.2179A>G (p.T727A) variant has not been reported in individuals with MSH6-related disease. It has been reported in a large case-control study of breast cancer in 1/60466 cases and not in 53461 controls (PMID: 33471991). It was observed in 1/113260 chromosomes in the Non-Finnish European subpopulation according to the Genome Aggregation Database (PMID: 32461654). This variant has not been reported in ClinVar. Functional studies have not been performed, and in silico predictions of the variant's effect on protein function are inconclusive. The evidence is insufficient to meet ACMG/AMP criteria for classifying the variant as benign or pathogenic. Thus, the clinical significance of this variant is currently uncertain.

Ambry Genetics
Classification: Likely benign for Hereditary cancer-predisposing syndrome. Last evaluated: 2017-10-16. Review status: criteria provided, single submitter. Criteria: Ambry Variant Classification Scheme 2023. Collection method: clinical testing. Allele origin: germline.

Literature cited by the submitters: PubMed 33471991 (cited by Sema4).